The following is an entry in ClinVar:

NM_007052.5(NOX1):c.935T>C (p.Met312Thr)

Gene: NOX1 (NADPH oxidase 1; minus strand). Cytogenetic location: Xq22.1.
Variant type: single nucleotide variant.
Coding change: c.935T>C on transcript NM_007052.5 (MANE Select); coding-DNA position 935, T replaced by C.
Protein change: p.Met312Thr; replaces methionine 312 with threonine.
Molecular consequence: missense variant.
Genome position (GRCh38, 1-based): chrX:100,850,349, A>G on the plus strand (T>C on the coding strand, the complement: NOX1 is on the minus strand). VCF-style: chrX-100850349-A-G. GRCh37 (hg19) VCF-style: chrX-100105338-A-G.
Other names: c.824T>C, p.Met275Thr (NM_001271815.2); c.935T>C, p.Met312Thr (NM_013955.3); short protein forms M275T, M312T.
Identifiers: ClinVar variation 2661042 (VCV002661042.25), dbSNP rs146366505, ClinGen allele CA10470544.

ClinVar aggregate classification (germline): Likely benign. Review status: criteria provided, multiple submitters, no conflicts (2 of 4 stars). 2 submissions from 2 submitters: Likely benign (2). Last evaluated 2025-02-16.

Allele frequency attached by ClinVar (database versions not stated): 1000 Genomes Project 30x 0.00021; 1000 Genomes Project 0.00026; ESP Exome Variant Server 0.00028; TOPMed 0.00028; ExAC 0.00036; gnomAD 0.00044; gnomAD exomes 0.00059.
gnomAD v4.1: 685 of 1,199,542 alleles (0.057%); highest among the groups gnomAD compares: Non-Finnish European, 0.073%; no homozygotes.

Submissions (2):

Laboratory of Genetics, Children's Clinical University Hospital Latvia
Classification: Likely benign. Last evaluated: 2025-02-16. Review status: criteria provided, single submitter. Criteria: ACMG Guidelines, 2015. Collection method: clinical testing. Allele origin: germline. Affected: yes.

CeGaT Center for Human Genetics Tuebingen
Classification: Likely benign. Last evaluated: 2022-11-01. Review status: criteria provided, single submitter. Criteria: CeGaT Center For Human Genetics Tuebingen Variant Classification Criteria Version 2. Collection method: clinical testing. Allele origin: germline. Affected: yes. Observed: 1 variant allele.
Comment: NOX1: BS2